The following is an entry in ClinVar:

ClinVar aggregate classification (germline): Pathogenic (1 of 4 stars; one submission).

Conditions:
Familial hypocalciuric hypercalcemia (FHH). Also called: Familial benign hypercalcemia. Identifiers: Orphanet 405, MedGen C1809471, MONDO:0018458.
Autosomal dominant hypocalcemia 1 (HYPOC1). Also called: HYPOCALCEMIA, FAMILIAL. Identifiers: MedGen C3715128, MONDO:0011013, OMIM 601198.

Submission:

Labcorp Genetics (formerly Invitae), Labcorp
Classification: Pathogenic for Familial hypocalciuric hypercalcemia; Autosomal dominant hypocalcemia 1. Last evaluated: 2021-04-03. Review status: criteria provided, single submitter. Criteria: Invitae Variant Classification Sherloc (09022015). Collection method: clinical testing. Allele origin: germline.
Comment: This variant is not present in population databases (ExAC no frequency). This sequence change results in a premature translational stop signal in the CASR gene (p.Ala645Cysfs*65). While this is not anticipated to result in nonsense mediated decay, it is expected to disrupt the last 434 amino acids of the CASR protein. This variant has not been reported in the literature in individuals with CASR-related conditions. ClinVar contains an entry for this variant (Variation ID: 950326). This variant disrupts the C-terminus of the CASR protein. Other variant(s) that disrupt this region (p.W718X) have been determined to be pathogenic (PMID: 18796518, 9395465). This suggests that variants that disrupt this region of the protein are likely to be causative of disease. For these reasons, this variant has been classified as Pathogenic.

Literature cited by the submitters: PubMed 18796518; PubMed 9395465.

NM_000388.4(CASR):c.1898_1932dup (p.Ala645fs)

Gene: CASR (calcium sensing receptor; plus strand). Cytogenetic location: 3q21.1.
Variant type: Duplication.
Coding change: c.1898_1932dup on transcript NM_000388.4 (MANE Select); coding-DNA positions 1898 to 1932, 35 bases duplicated.
Protein change: p.Ala645fs; shifts the reading frame from alanine 645.
Molecular consequence: frameshift variant.
Genome position (GRCh38, 1-based): chr3:122,283,852-122,283,886, 35 bases duplicated; duplicating any 35 consecutive bases within chr3:122,283,851-122,283,886 gives the same sequence; the c. name uses the placement nearest the transcript's 3' end. GRCh37 (hg19): chr3:122,002,699-122,002,733.
Other names: c.1928_1962dup, p.Ala655fs (NM_001178065.2); short protein forms A645fs, A655fs.
Identifiers: ClinVar variation 950326 (VCV000950326.10), dbSNP rs2074924614, ClinGen allele CA1139658226.